The following is an entry in ClinVar:

NM_022081.6(HPS4):c.1846+3A>G

Gene: HPS4 (HPS4 biogenesis of lysosomal organelles complex 3 subunit 2; minus strand). Cytogenetic location: 22q12.1.
Variant type: single nucleotide variant.
Coding change: c.1846+3A>G on transcript NM_022081.6 (MANE Select); 3 bases into the intron after coding-DNA position 1846, A replaced by G.
Molecular consequence: intron variant.
Genome position (GRCh38, 1-based): chr22:26,458,442, T>C on the plus strand (A>G on the coding strand, the complement: HPS4 is on the minus strand). VCF-style: chr22-26458442-T-C. GRCh37 (hg19) VCF-style: chr22-26854408-T-C.
Other names: c.1846+3A>G (NM_001349905.1, NM_001349904.2, NM_001349896.1 and 2 more transcripts); c.1714-5038A>G (NM_001349902.1, NM_001349903.2); c.1900+3A>G (NM_001349901.1, NM_001349900.2); c.1831+3A>G (NM_152841.2).
Identifiers: ClinVar variation 1509046 (VCV001509046.4), dbSNP rs1411861367, ClinGen allele CA638781694.

ClinVar aggregate classification (germline): Uncertain significance. Review status: criteria provided, multiple submitters, no conflicts (2 of 4 stars). 2 submissions from 2 submitters: Uncertain significance (2). Last evaluated 2022-08-09.

Allele frequency attached by ClinVar (database versions not stated): TOPMed below 0.00001; gnomAD exomes 0.00001 and 0.00002.
gnomAD v4.1: 8 of 1,614,200 alleles (0.0005%); highest among the groups gnomAD compares: Middle Eastern, 0.016%; no homozygotes.

Submissions (2):

Labcorp Genetics (formerly Invitae), Labcorp
Classification: Uncertain significance. Last evaluated: 2022-08-09. Review status: criteria provided, single submitter. Criteria: Invitae Variant Classification Sherloc (09022015). Collection method: clinical testing. Allele origin: germline.
Comment: This sequence change falls in intron 12 of the HPS4 gene. It does not directly change the encoded amino acid sequence of the HPS4 protein. It affects a nucleotide within the consensus splice site. This variant is present in population databases (no rsID available, gnomAD 0.01%). This variant has not been reported in the literature in individuals affected with HPS4-related conditions. ClinVar contains an entry for this variant (Variation ID: 1509046). Variants that disrupt the consensus splice site are a relatively common cause of aberrant splicing (PMID: 17576681, 9536098). Algorithms developed to predict the effect of sequence changes on RNA splicing suggest that this variant is not likely to affect RNA splicing. In summary, the available evidence is currently insufficient to determine the role of this variant in disease. Therefore, it has been classified as a Variant of Uncertain Significance.

Blueprint Genetics
Classification: Uncertain significance. Last evaluated: 2020-07-22. Review status: criteria provided, single submitter. Criteria: ACMG Guidelines, 2015. Collection method: clinical testing. Allele origin: germline.

Literature cited by the submitters: PubMed 17576681 (cited by Labcorp Genetics (formerly Invitae), Labcorp); PubMed 9536098 (cited by Labcorp Genetics (formerly Invitae), Labcorp).